The following is an entry in ClinVar:

ClinVar aggregate classification (germline): Uncertain significance (1 of 4 stars; one submission).

Conditions:
Tay-Sachs disease (TSD). Also called: HEXA DEFICIENCY; GM2 gangliosidosis, type 1; Hexosaminidase alpha-subunit deficiency (variant B); Sphingolipidosis, Tay-Sachs; Hexosaminidase A Deficiency; HEXA Disorders. Identifiers: Orphanet 845, MedGen C0039373, MONDO:0010100, OMIM 272800.

Submission:

Labcorp Genetics (formerly Invitae), Labcorp
Classification: Uncertain significance for Tay-Sachs disease. Last evaluated: 2022-07-02. Review status: criteria provided, single submitter. Criteria: Invitae Variant Classification Sherloc (09022015). Collection method: clinical testing. Allele origin: germline.
Comment: This sequence change replaces arginine, which is basic and polar, with leucine, which is neutral and non-polar, at codon 87 of the HEXA protein (p.Arg87Leu). This variant is not present in population databases (gnomAD no frequency). This variant has not been reported in the literature in individuals affected with HEXA-related conditions. Algorithms developed to predict the effect of missense changes on protein structure and function (SIFT, PolyPhen-2, Align-GVGD) all suggest that this variant is likely to be tolerated. In summary, the available evidence is currently insufficient to determine the role of this variant in disease. Therefore, it has been classified as a Variant of Uncertain Significance.

NM_000520.6(HEXA):c.260G>T (p.Arg87Leu)

Gene: HEXA (hexosaminidase subunit alpha; minus strand). Cytogenetic location: 15q23.
Variant type: single nucleotide variant.
Coding change: c.260G>T on transcript NM_000520.6 (MANE Select); coding-DNA position 260, G replaced by T.
Protein change: p.Arg87Leu; replaces arginine 87 with leucine.
Molecular consequence: missense variant. On other transcripts: non-coding transcript variant (1).
Genome position (GRCh38, 1-based): chr15:72,356,611, C>A on the plus strand (G>T on the coding strand, the complement: HEXA is on the minus strand). VCF-style: chr15-72356611-C-A. GRCh37 (hg19) VCF-style: chr15-72648952-C-A.
Other names: c.293G>T, p.Arg98Leu (NM_001318825.2); short protein forms R98L, R87L.
Identifiers: ClinVar variation 2013329 (VCV002013329.4), dbSNP rs766966378, ClinGen allele CA393067646.
Genomic context (GRCh38, chr15:72,356,611, plus strand): 5'-AGCTGGTTACATCCAGGTGTGACTACAGAGACAACCAACACATTCTTCTCCAGTGTATGC[C>A]GTTTCCCTAGGAAGACAGGGTAAGCTTGGTGCGGCCAACCTGCCATTAGAAGCAACAGGC-3'
Protein context (NP_000511.2, residues 77-97): SWPRPYLTGK[Arg87Leu]HTLEKNVLVV